The following is an entry in ClinVar:

ClinVar aggregate classification (germline): Conflicting classifications of pathogenicity. Review status: criteria provided, conflicting classifications (1 of 4 stars). 6 submissions from 6 submitters: Uncertain significance (1); Benign (1); Likely benign (4). Last evaluated 2025-12-15.

Conditions:
Inborn genetic diseases. Identifiers: MedGen C0950123, MeSH D030342.

Allele frequency attached by ClinVar (database versions not stated): ExAC 0.00041; gnomAD 0.00081 and 0.00085; TOPMed 0.00100; 1000 Genomes Project 0.00120; ESP Exome Variant Server 0.00161; 1000 Genomes Project 30x 0.00219; gnomAD exomes 0.00011 and 0.00030.
gnomAD v4.1: 287 of 1,613,758 alleles (0.018%); highest among the groups gnomAD compares: African/African-American, 0.3%; 1 homozygote.

Submissions (6):

Labcorp Genetics (formerly Invitae), Labcorp
Classification: Likely benign. Last evaluated: 2025-12-15. Review status: criteria provided, single submitter. Criteria: Invitae Variant Classification Sherloc (09022015). Collection method: clinical testing. Allele origin: germline.

ARUP Laboratories, Molecular Genetics and Genomics, ARUP Laboratories
Classification: Likely benign. Last evaluated: 2025-02-11. Review status: criteria provided, single submitter. Criteria: ARUP Molecular Germline Variant Investigation Process 2024. Collection method: clinical testing. Allele origin: germline.

Blueprint Genetics
Classification: Likely benign. Last evaluated: 2024-02-20. Review status: criteria provided, single submitter. Criteria: ACMG Guidelines, 2015. Collection method: clinical testing. Allele origin: germline.

Ambry Genetics
Classification: Likely benign for Inborn genetic diseases. Last evaluated: 2021-08-02. Review status: criteria provided, single submitter. Criteria: Ambry Variant Classification Scheme 2023. Collection method: clinical testing. Allele origin: germline.

GeneDx
Classification: Uncertain significance. Last evaluated: 2020-07-01. Review status: criteria provided, single submitter. Criteria: GeneDx Variant Classification Process June 2021. Collection method: clinical testing. Allele origin: germline. Affected: yes.
Comment: Has not been previously published as pathogenic or benign to our knowledge; In silico analysis supports that this missense variant does not alter protein structure/function

PreventionGenetics, part of Exact Sciences
Classification: Benign. Review status: criteria provided, single submitter. Criteria: ACMG Guidelines, 2015. Collection method: clinical testing. Allele origin: germline.

NM_001457.4(FLNB):c.2494G>A (p.Ala832Thr)

Genes: FLNB (filamin B; plus strand), LOC129936935 (ATAC-STARR-seq lymphoblastoid active region 19999; plus strand). Cytogenetic location: 3p14.3.
Variant type: single nucleotide variant.
Coding change: c.2494G>A on transcript NM_001457.4 (MANE Select); coding-DNA position 2494, G replaced by A.
Protein change: p.Ala832Thr; replaces alanine 832 with threonine.
Molecular consequence: missense variant.
Genome position (GRCh38, 1-based): chr3:58,111,800, G>A. VCF-style: chr3-58111800-G-A. GRCh37 (hg19) VCF-style: chr3-58097527-G-A.
Other names: c.2494G>A, p.Ala832Thr (NM_001164317.2, NM_001164318.2, NM_001164319.2); short protein forms A832T.
Identifiers: ClinVar variation 258101 (VCV000258101.25), dbSNP rs114804033, ClinGen allele CA2468150.